The following is an entry in ClinVar:

NM_000051.4(ATM):c.6105_6114del (p.Tyr2036fs)

Genes: ATM (ATM serine/threonine kinase; plus strand), C11orf65 (chromosome 11 open reading frame 65; minus strand). Cytogenetic location: 11q22.3.
Variant type: Deletion.
Coding change: c.6105_6114del on transcript NM_000051.4 (MANE Select); coding-DNA positions 6105 to 6114, 10 bases deleted (ATATGAACAC; older notation c.6105_6114delATATGAACAC).
Protein change: p.Tyr2036fs; shifts the reading frame from tyrosine 2036.
Molecular consequence: frameshift variant. On other transcripts: intron variant (2).
Genome position (GRCh38, 1-based): chr11:108,316,020-108,316,029, ATATGAACAC deleted; deleting any 10 consecutive bases within chr11:108,316,018-108,316,029 gives the same sequence; the c. name uses the placement nearest the transcript's 3' end. VCF-style (leftmost placement, unchanged base first): chr11-108316017-AACATATGAAC-A. GRCh37 (hg19) VCF-style: chr11-108186744-AACATATGAAC-A.
Other names: c.6105_6114del10 (NM_000051.3); c.6105_6114del, p.Tyr2036fs (NM_001351834.2); c.641-6956_641-6947del (NM_001330368.2); c.*39-6956_*39-6947del (NM_001351110.2); short protein forms Y2036fs.
Identifiers: ClinVar variation 1751641 (VCV001751641.3), dbSNP rs2547093975, ClinGen allele CA2580083074.
Genomic context (GRCh38, chr11:108,316,017, plus strand): 5'-AAGGAGTTATGTGTGTGTAAAACCCAAAGCTATTTTCACAATCTTTTCTTATAGACTACG[AACATATGAAC>A]ACGAAGCAATGTGGGGCAAAGCCCTAGTAACATATGACCTCGAAACAGCAATCCCCTCAT-3'

ClinVar aggregate classification (germline): Pathogenic. Review status: criteria provided, multiple submitters, no conflicts (2 of 4 stars). 2 submissions from 2 submitters: Pathogenic (2). Last evaluated 2024-04-02.

Conditions:
Familial cancer of breast. Also called: Hereditary breast cancer; hereditary breast carcinoma; BREAST CANCER, FAMILIAL. Identifiers: Orphanet 227535, MedGen C0346153, MONDO:0016419, OMIM 114480. Disease mechanism: loss of function.
Hereditary cancer-predisposing syndrome. Also called: Hereditary neoplastic syndrome; Neoplastic Syndromes, Hereditary; Tumor predisposition; Hereditary Cancer Syndrome. Identifiers: Orphanet 140162, MedGen C0027672, MeSH D009386, MONDO:0015356.

Submissions (2):

Myriad Genetics, Inc.
Classification: Pathogenic for Familial cancer of breast. Last evaluated: 2024-04-02. Review status: criteria provided, single submitter. Criteria: Myriad Autosomal Dominant, Autosomal Recessive and X-Linked Classification Criteria (2023). Collection method: clinical testing. Allele origin: unknown.
Comment: This variant is considered pathogenic. This variant creates a frameshift predicted to result in premature protein truncation.

Ambry Genetics
Classification: Pathogenic for Hereditary cancer-predisposing syndrome. Last evaluated: 2022-04-26. Review status: criteria provided, single submitter. Criteria: Ambry Variant Classification Scheme 2023. Collection method: clinical testing. Allele origin: germline.
Comment: The c.6105_6114del10 pathogenic mutation, located in coding exon 41 of the ATM gene, results from a deletion of 10 nucleotides at nucleotide positions 6105 to 6114, causing a translational frameshift with a predicted alternate stop codon (p.Y2036Kfs*8). This variant is considered to be rare based on population cohorts in the Genome Aggregation Database (gnomAD). This alteration is expected to result in loss of function by premature protein truncation or nonsense-mediated mRNA decay. As such, this alteration is interpreted as a disease-causing mutation.